The following is an entry in ClinVar:

NM_000258.3(MYL3):c.27G>A (p.Lys9=)

Gene: MYL3 (myosin light chain 3; minus strand). Cytogenetic location: 3p21.31.
Variant type: single nucleotide variant.
Coding change: c.27G>A on transcript NM_000258.3 (MANE Select); coding-DNA position 27, G replaced by A.
Protein change: p.Lys9=; no amino-acid change (lysine 9 retained).
Molecular consequence: synonymous variant.
Genome position (GRCh38, 1-based): chr3:46,863,364, C>T on the plus strand (G>A on the coding strand, the complement: MYL3 is on the minus strand). VCF-style: chr3-46863364-C-T. GRCh37 (hg19) VCF-style: chr3-46904854-C-T.
Identifiers: ClinVar variation 923060 (VCV000923060.14), dbSNP rs994017710, ClinGen allele CA73782066.

ClinVar aggregate classification (germline): Likely benign. Review status: criteria provided, multiple submitters, no conflicts (2 of 4 stars). 6 submissions from 6 submitters: Likely benign (6). Last evaluated 2026-01-26.

Conditions:
MYL3-related disorder. Also called: MYL3-related condition.
Cardiovascular phenotype. Identifiers: MedGen CN230736.
Hypertrophic cardiomyopathy. Also called: HYPERTROPHIC MYOCARDIOPATHY. Identifiers: Orphanet 217569, MedGen C0007194, MeSH D002312, MONDO:0005045, HP:0001639.
Cardiomyopathy (CMYO). Also called: Cardiomyopathies. Identifiers: Orphanet 167848, MedGen C0878544, MONDO:0004994, HP:0001638. Inheritance: Various modes of inheritance.

Allele frequency attached by ClinVar (database versions not stated): gnomAD 0.00001; gnomAD exomes 0.00001 and 0.00002; TOPMed 0.00001.

Submissions (6):

PreventionGenetics, part of Exact Sciences
Classification: Likely benign for MYL3-related condition. Last evaluated: 2026-01-26. Review status: criteria provided, single submitter. Criteria: ACMG Guidelines, 2015. Collection method: clinical testing. Allele origin: germline.
Comment: This variant is classified as likely benign based on ACMG/AMP sequence variant interpretation guidelines (Richards et al. 2015 PMID: 25741868, with internal and published modifications).

Labcorp Genetics (formerly Invitae), Labcorp
Classification: Likely benign for Hypertrophic cardiomyopathy. Last evaluated: 2025-11-18. Review status: criteria provided, single submitter. Criteria: Invitae Variant Classification Sherloc (09022015). Collection method: clinical testing. Allele origin: germline.

Women's Health and Genetics/Laboratory Corporation of America, LabCorp
Classification: Likely benign. Last evaluated: 2025-05-30. Review status: criteria provided, single submitter. Criteria: LabCorp Variant Classification Summary - May 2015. Collection method: clinical testing. Allele origin: germline.

All of Us Research Program, National Institutes of Health
Classification: Likely benign for Hypertrophic cardiomyopathy. Last evaluated: 2023-12-18. Review status: criteria provided, single submitter. Criteria: ACMG Guidelines, 2015. Collection method: clinical testing. Allele origin: germline. Inheritance: Autosomal dominant inheritance. Observed: 7 variant alleles, 7 heterozygotes.
Comment: This study involves interpretation of variants in research participants for the purpose of population health screening. Participant phenotype was not available at the time of variant classification. Additional details can be found in publication PMID: 35346344, PMCID: PMC8962531

Ambry Genetics
Classification: Likely benign for Cardiovascular phenotype. Last evaluated: 2021-03-19. Review status: criteria provided, single submitter. Criteria: Ambry Variant Classification Scheme 2023. Collection method: clinical testing. Allele origin: germline.

Color Diagnostics, LLC DBA Color Health
Classification: Likely benign for Cardiomyopathy. Last evaluated: 2019-06-04. Review status: criteria provided, single submitter. Criteria: ACMG Guidelines, 2015. Collection method: clinical testing. Allele origin: germline.